The following is an entry in ClinVar:

NM_001012339.3(DNAJC21):c.695C>T (p.Ala232Val)

Gene: DNAJC21 (DnaJ heat shock protein family (Hsp40) member C21; plus strand). Cytogenetic location: 5p13.2.
Variant type: single nucleotide variant.
Coding change: c.695C>T on transcript NM_001012339.3 (MANE Select); coding-DNA position 695, C replaced by T.
Protein change: p.Ala232Val; replaces alanine 232 with valine.
Molecular consequence: missense variant.
Genome position (GRCh38, 1-based): chr5:34,937,582, C>T. VCF-style: chr5-34937582-C-T. GRCh37 (hg19) VCF-style: chr5-34937687-C-T.
Other names: c.695C>T, p.Ala232Val (NM_001348420.2, NM_194283.4); short protein forms A232V.
Identifiers: ClinVar variation 1472241 (VCV001472241.6), dbSNP rs754153100, ClinGen allele CA3228525.
Genomic context (GRCh38, chr5:34,937,582, plus strand): 5'-AAAGAGATAAAAGAGTGCAGGCGCATCGAAAACTTGTGGAAGAACAGAATGCAGAGAAGG[C>T]GAGGAAAGCCGAAGAGATGAGGCGGCAGCAGAAGCTAAAGCAGGCCAAGTGCGTAGCGTG-3'
Protein context (NP_001012339.2, residues 222-242): KLVEEQNAEK[Ala232Val]RKAEEMRRQQ

ClinVar aggregate classification (germline): Uncertain significance (1 of 4 stars; one submission).

Allele frequency attached by ClinVar (database versions not stated): gnomAD 0.00001; gnomAD exomes 0.00001 and 0.00005; ExAC 0.00002; TOPMed 0.00002.
gnomAD v4.1: 19 of 1,613,506 alleles (0.0012%); highest among the groups gnomAD compares: Middle Eastern, 0.033%; no homozygotes.

Submission:

Labcorp Genetics (formerly Invitae), Labcorp
Classification: Uncertain significance. Last evaluated: 2022-01-27. Review status: criteria provided, single submitter. Criteria: Invitae Variant Classification Sherloc (09022015). Collection method: clinical testing. Allele origin: germline.
Comment: This sequence change replaces alanine, which is neutral and non-polar, with valine, which is neutral and non-polar, at codon 232 of the DNAJC21 protein (p.Ala232Val). This variant is present in population databases (rs754153100, gnomAD 0.04%). This variant has not been reported in the literature in individuals affected with DNAJC21-related conditions. Algorithms developed to predict the effect of missense changes on protein structure and function (SIFT, PolyPhen-2, Align-GVGD) all suggest that this variant is likely to be tolerated. Algorithms developed to predict the effect of sequence changes on RNA splicing suggest that this variant may create or strengthen a splice site. In summary, the available evidence is currently insufficient to determine the role of this variant in disease. Therefore, it has been classified as a Variant of Uncertain Significance.